The following is an entry in ClinVar:

NM_006466.4(POLR3F):c.873+10A>G

Gene: POLR3F (RNA polymerase III subunit F; plus strand). Cytogenetic location: 20p11.23.
Variant type: single nucleotide variant.
Coding change: c.873+10A>G on transcript NM_006466.4 (MANE Select); 10 bases into the intron after coding-DNA position 873, A replaced by G.
Molecular consequence: intron variant.
Genome position (GRCh38, 1-based): chr20:18,481,820, A>G. VCF-style: chr20-18481820-A-G. GRCh37 (hg19) VCF-style: chr20-18462464-A-G.
Other names: c.750+10A>G (NM_001282526.2); c.729+10A>G (NM_001410821.1).
Identifiers: ClinVar variation 2781508 (VCV002781508.3), dbSNP rs747394622, ClinGen allele CA9777627.

ClinVar aggregate classification (germline): Uncertain significance (1 of 4 stars; one submission).

Allele frequency attached by ClinVar (database versions not stated): gnomAD 0.00001; gnomAD exomes 0.00001; TOPMed 0.00001; ExAC 0.00002.
gnomAD v4.1: 11 of 1,596,204 alleles (0.00069%); highest among the groups gnomAD compares: Non-Finnish European, 0.00017%; no homozygotes.

Submission:

Labcorp Genetics (formerly Invitae), Labcorp
Classification: Uncertain significance. Last evaluated: 2023-05-17. Review status: criteria provided, single submitter. Criteria: Invitae Variant Classification Sherloc (09022015). Collection method: clinical testing. Allele origin: germline.
Comment: In summary, the available evidence is currently insufficient to determine the role of this variant in disease. Therefore, it has been classified as a Variant of Uncertain Significance. This variant has not been reported in the literature in individuals affected with POLR3F-related conditions. This variant is present in population databases (rs747394622, gnomAD 0.04%). This sequence change falls in intron 8 of the POLR3F gene. It does not directly change the encoded amino acid sequence of the POLR3F protein.